The following is an entry in ClinVar:

NM_001360.3(DHCR7):c.549C>T (p.Cys183=)

Gene: DHCR7 (7-dehydrocholesterol reductase; minus strand). Cytogenetic location: 11q13.4.
Variant type: single nucleotide variant.
Coding change: c.549C>T on transcript NM_001360.3 (MANE Select); coding-DNA position 549, C replaced by T.
Protein change: p.Cys183=; no amino-acid change (cysteine 183 retained).
Molecular consequence: synonymous variant.
Genome position (GRCh38, 1-based): chr11:71,441,304, G>A on the plus strand (C>T on the coding strand, the complement: DHCR7 is on the minus strand). VCF-style: chr11-71441304-G-A. GRCh37 (hg19) VCF-style: chr11-71152350-G-A.
Other names: p.Cys183=; c.549C>T, p.Cys183= (NM_001163817.2).
Identifiers: ClinVar variation 257966 (VCV000257966.37), dbSNP rs115446684, ClinGen allele CA6162537.

ClinVar aggregate classification (germline): Benign/Likely benign. Review status: criteria provided, multiple submitters, no conflicts (2 of 4 stars). 10 submissions from 10 submitters: Benign (3); Likely benign (6). 1 of the submissions does not count toward it. Last evaluated 2026-04-01.

Conditions:
Inborn genetic diseases. Identifiers: MedGen C0950123, MeSH D030342.
Smith-Lemli-Opitz syndrome (SLOS). Also called: LETHAL ACRODYSGENITAL SYNDROME; POLYDACTYLY, SEX REVERSAL, RENAL HYPOPLASIA, AND UNILOBAR LUNG; RSH SYNDROME; RUTLEDGE LETHAL MULTIPLE CONGENITAL ANOMALY SYNDROME; 7-Dehydrocholesterol reductase deficiency. Identifiers: Orphanet 818, MedGen C0175694, MONDO:0010035, OMIM 270400.

Allele frequency attached by ClinVar (database versions not stated): gnomAD exomes 0.00037 and 0.00102; ExAC 0.00133; gnomAD 0.00442 and 0.00470; TOPMed 0.00493; ESP Exome Variant Server 0.00577; 1000 Genomes Project 0.00579; 1000 Genomes Project 30x 0.00640.

Submissions (10):

CeGaT Center for Human Genetics Tuebingen
Classification: Likely benign. Last evaluated: 2026-04-01. Review status: criteria provided, single submitter. Criteria: CeGaT Center For Human Genetics Tuebingen Variant Classification Criteria Version 2. Collection method: clinical testing. Allele origin: germline. Affected: yes. Observed: 2 variant alleles.
Comment: DHCR7: BP4, BP7, BS1

Labcorp Genetics (formerly Invitae), Labcorp
Classification: Benign for Smith-Lemli-Opitz syndrome. Last evaluated: 2026-02-04. Review status: criteria provided, single submitter. Criteria: Invitae Variant Classification Sherloc (09022015). Collection method: clinical testing. Allele origin: germline.

Mayo Clinic Laboratories, Mayo Clinic
Classification: Likely benign. Last evaluated: 2025-06-20. Review status: criteria provided, single submitter. Criteria: ACMG Guidelines, 2015. Collection method: clinical testing. Allele origin: germline. Observed: 4 variant alleles.
Comment: BS1, BP4, BP7

Blueprint Genetics
Classification: Likely benign. Last evaluated: 2024-11-11. Review status: criteria provided, single submitter. Criteria: ACMG Guidelines, 2015. Collection method: clinical testing. Allele origin: germline.

Fulgent Genetics
Classification: Likely benign for Smith-Lemli-Opitz syndrome. Last evaluated: 2021-11-21. Review status: criteria provided, single submitter. Criteria: ACMG Guidelines, 2015. Collection method: clinical testing. Allele origin: unknown.

Illumina Laboratory Services, Illumina
Classification: Likely benign for Smith-Lemli-Opitz syndrome. Last evaluated: 2017-04-28. Review status: criteria provided, single submitter. Criteria: ICSL Variant Classification Criteria 13 December 2019. Collection method: clinical testing. Allele origin: germline.
Comment: This variant was observed as part of a predisposition screen in an ostensibly healthy population. A literature search was performed for the gene, cDNA change, and amino acid change (where applicable). No publications were found based on this search. Allele frequency data from public databases allowed determination this variant is unlikely to cause disease. Therefore, this variant is classified as likely benign.

Ambry Genetics
Classification: Likely benign for Inborn genetic diseases. Last evaluated: 2016-07-01. Review status: criteria provided, single submitter. Criteria: Ambry Variant Classification Scheme 2023. Collection method: clinical testing. Allele origin: germline.

GeneDx
Classification: Benign. Last evaluated: 2015-03-03. Review status: criteria provided, single submitter. Criteria: GeneDx Variant Classification Process June 2021. Collection method: clinical testing. Allele origin: germline. Affected: yes.

PreventionGenetics, part of Exact Sciences
Classification: Benign. Review status: criteria provided, single submitter. Criteria: ACMG Guidelines, 2015. Collection method: clinical testing. Allele origin: germline.

Natera, Inc.
Classification: Benign for Smith-Lemli-Opitz syndrome. Last evaluated: 2020-04-13. Review status: no assertion criteria provided. Collection method: clinical testing. Allele origin: germline. Not counted in ClinVar's aggregate classification.